The following is an entry in ClinVar:

NM_203446.3(SYNJ1):c.324C>T (p.Ile108=)

Gene: SYNJ1 (synaptojanin 1; minus strand). Cytogenetic location: 21q22.11.
Variant type: single nucleotide variant.
Coding change: c.324C>T on transcript NM_203446.3 (MANE Select); coding-DNA position 324, C replaced by T.
Protein change: p.Ile108=; no amino-acid change (isoleucine 108 retained).
Molecular consequence: synonymous variant.
Genome position (GRCh38, 1-based): chr21:32,699,993, G>A on the plus strand (C>T on the coding strand, the complement: SYNJ1 is on the minus strand). VCF-style: chr21-32699993-G-A. GRCh37 (hg19) VCF-style: chr21-34072303-G-A.
Other names: c.324C>T, p.Ile108= (NM_001160302.2, NM_001160306.2); c.441C>T, p.Ile147= (NM_003895.4).
Identifiers: ClinVar variation 729814 (VCV000729814.34), dbSNP rs551070196, ClinGen allele CA10004156.

ClinVar aggregate classification (germline): Likely benign. Review status: criteria provided, multiple submitters, no conflicts (2 of 4 stars). 3 submissions from 3 submitters: Likely benign (3). Last evaluated 2025-12-30.

Conditions:
Developmental and epileptic encephalopathy, 53. Also called: Epileptic encephalopathy, early infantile, 53. Identifiers: MedGen C4479313, MONDO:0033362, OMIM 617389.
Early-onset Parkinson disease 20. Also called: PARKINSON DISEASE 20, AUTOSOMAL RECESSIVE EARLY-ONSET. Identifiers: Orphanet 391411, MedGen C3809824, MONDO:0014233, OMIM 615530.

Allele frequency attached by ClinVar (database versions not stated): ExAC 0.00003; gnomAD 0.00003; gnomAD exomes 0.00005 and 0.00009; TOPMed 0.00005; 1000 Genomes Project 30x 0.00016; 1000 Genomes Project 0.00020.
gnomAD v4.1: 128 of 1,614,054 alleles (0.0079%); highest among the groups gnomAD compares: East Asian, 0.022%; no homozygotes.

Submissions (3):

Labcorp Genetics (formerly Invitae), Labcorp
Classification: Likely benign for Developmental and epileptic encephalopathy, 53; Early-onset Parkinson disease 20. Last evaluated: 2025-12-30. Review status: criteria provided, single submitter. Criteria: Invitae Variant Classification Sherloc (09022015). Collection method: clinical testing. Allele origin: germline.

Blueprint Genetics
Classification: Likely benign. Last evaluated: 2024-03-20. Review status: criteria provided, single submitter. Criteria: ACMG Guidelines, 2015. Collection method: clinical testing. Allele origin: germline.

CeGaT Center for Human Genetics Tuebingen
Classification: Likely benign. Last evaluated: 2022-06-01. Review status: criteria provided, single submitter. Criteria: CeGaT Center For Human Genetics Tuebingen Variant Classification Criteria Version 2. Collection method: clinical testing. Allele origin: germline. Affected: yes. Observed: 1 variant allele.
Comment: SYNJ1: BP4, BP7